The following is an entry in ClinVar:

NC_000015.10:g.(?_76311340)_(76311398_?)del

Gene: ETFA (electron transfer flavoprotein subunit alpha; minus strand). Cytogenetic location: 15q24.3.
Variant type: Deletion.
Identifiers: ClinVar variation 833247 (VCV000833247.6).

ClinVar aggregate classification (germline): Pathogenic (1 of 4 stars; one submission).

Conditions:
Multiple acyl-CoA dehydrogenase deficiency (MADD). Also called: Glutaric Acidemia type 2; ETHYLMALONIC-ADIPICACIDURIA; GA II; Glutaric acidemia type II; GA 2; Glutaric aciduria, type 2. Identifiers: Orphanet 26791, MedGen C0268596, MONDO:0009282, OMIM 231680.

Submission:

Labcorp Genetics (formerly Invitae), Labcorp
Classification: Pathogenic for Multiple acyl-CoA dehydrogenase deficiency. Last evaluated: 2022-10-29. Review status: criteria provided, single submitter. Criteria: Invitae Variant Classification Sherloc (09022015). Collection method: clinical testing. Allele origin: germline.
Comment: For these reasons, this variant has been classified as Pathogenic. This variant has not been reported in the literature in individuals affected with ETFA-related conditions. This variant is a gross deletion of the genomic region encompassing exon(s) 1 of the ETFA gene, which includes the initiator codon. This deletion extends beyond the assayed region for this gene and therefore may encompass additional genes. It is expected to result in an absent or disrupted protein product. Loss-of-function variants in ETFA are known to be pathogenic (PMID: 16510302, 23785301).

Literature cited by the submitters: PubMed 16510302; PubMed 23785301.